The following is an entry in ClinVar:

ClinVar aggregate classification (germline): Uncertain significance (1 of 4 stars; one submission).

Submission:

Labcorp Genetics (formerly Invitae), Labcorp
Classification: Uncertain significance. Last evaluated: 2022-06-30. Review status: criteria provided, single submitter. Criteria: Invitae Variant Classification Sherloc (09022015). Collection method: clinical testing. Allele origin: germline.
Comment: In summary, the available evidence is currently insufficient to determine the role of this variant in disease. Therefore, it has been classified as a Variant of Uncertain Significance. Algorithms developed to predict the effect of missense changes on protein structure and function are either unavailable or do not agree on the potential impact of this missense change (SIFT: "Deleterious"; PolyPhen-2: "Probably Damaging"; Align-GVGD: "Class C0"). This variant has not been reported in the literature in individuals affected with ITGAM-related conditions. This variant is not present in population databases (gnomAD no frequency). This sequence change replaces proline, which is neutral and non-polar, with leucine, which is neutral and non-polar, at codon 107 of the ITGAM protein (p.Pro107Leu).

NM_000632.4(ITGAM):c.320C>T (p.Pro107Leu)

Genes: ITGAM (integrin subunit alpha M; plus strand), LOC126862331 (P300/CBP strongly-dependent group 1 enhancer GRCh37_chr16:31276375-31277574; plus strand). Cytogenetic location: 16p11.2.
Variant type: single nucleotide variant.
Coding change: c.320C>T on transcript NM_000632.4 (MANE Select); coding-DNA position 320, C replaced by T.
Protein change: p.Pro107Leu; replaces proline 107 with leucine.
Molecular consequence: missense variant.
Genome position (GRCh38, 1-based): chr16:31,266,040, C>T. VCF-style: chr16-31266040-C-T. GRCh37 (hg19) VCF-style: chr16-31277361-C-T.
Other names: c.320C>T, p.Pro107Leu (NM_001145808.2); short protein forms P107L.
Identifiers: ClinVar variation 2010645 (VCV002010645.4), dbSNP rs2544364973, ClinGen allele CA395684430.